The following is an entry in ClinVar:

NM_001199753.2(CPT1C):c.307G>A (p.Gly103Arg)

Gene: CPT1C (carnitine palmitoyltransferase 1C; plus strand). Cytogenetic location: 19q13.33.
Variant type: single nucleotide variant.
Coding change: c.307G>A on transcript NM_001199753.2 (MANE Select); coding-DNA position 307, G replaced by A.
Protein change: p.Gly103Arg; replaces glycine 103 with arginine.
Molecular consequence: missense variant. On other transcripts: non-coding transcript variant (1).
Genome position (GRCh38, 1-based): chr19:49,700,709, G>A. VCF-style: chr19-49700709-G-A. GRCh37 (hg19) VCF-style: chr19-50203966-G-A.
Other names: c.307G>A, p.Gly103Arg (NM_001136052.3, NM_001199752.3, NM_001378482.1 and 7 more transcripts); short protein forms G103R.
Identifiers: ClinVar variation 4754751 (VCV004754751.1).
Genomic context (GRCh38, chr19:49,700,709, plus strand): 5'-AGACCCAGGCCCAGCCTCTGTTTCTCTCCCCGCAGGGGTGGACAACACCACGGGCTCCGG[G>A]GGGTCCTGGCAGCCGCGCTGTTTGCCTCGTGTTTGTGGGGAGCCCTGATCTTCACACTGC-3'
Protein context (NP_001186682.1, residues 93-113): DWGGQHHGLR[Gly103Arg]VLAAALFASC

ClinVar aggregate classification (germline): Uncertain significance (1 of 4 stars; one submission).

Conditions:
Hereditary spastic paraplegia 73. Also called: Spastic paraplegia 73, autosomal dominant. Identifiers: Orphanet 444099, MedGen C5568981, MONDO:0014568, OMIM 616282.

Submission:

Labcorp Genetics (formerly Invitae), Labcorp
Classification: Uncertain significance for Hereditary spastic paraplegia 73. Last evaluated: 2025-04-02. Review status: criteria provided, single submitter. Criteria: Invitae Variant Classification Sherloc (09022015). Collection method: clinical testing. Allele origin: germline.
Comment: This sequence change replaces glycine, which is neutral and non-polar, with arginine, which is basic and polar, at codon 103 of the CPT1C protein (p.Gly103Arg). This variant is not present in population databases (gnomAD no frequency). This variant has not been reported in the literature in individuals affected with CPT1C-related conditions. An algorithm developed to predict the effect of missense changes on protein structure and function (PolyPhen-2) suggests that this variant is likely to be tolerated. In summary, the available evidence is currently insufficient to determine the role of this variant in disease. Therefore, it has been classified as a Variant of Uncertain Significance.